The following is an entry in ClinVar:

NM_003722.5(TP63):c.*10T>G

Gene: TP63 (tumor protein p63; plus strand). Cytogenetic location: 3q28.
Variant type: single nucleotide variant.
Coding change: c.*10T>G on transcript NM_003722.5 (MANE Select); 10 bases downstream of the stop codon, T replaced by G.
Molecular consequence: 3 prime UTR variant.
Genome position (GRCh38, 1-based): chr3:189,894,512, T>G. VCF-style: chr3-189894512-T-G. GRCh37 (hg19) VCF-style: chr3-189612301-T-G.
Other names: c.*291T>G (NM_001114978.2, NM_001114981.2); c.*10T>G (NM_001114980.2, NM_001329146.2, NM_001329148.2 and 1 more transcripts); c.*281T>G (NM_001329144.2, NM_001329145.2, NM_001329149.2 and 1 more transcripts).
Identifiers: ClinVar variation 4996296 (VCV004996296.1).

ClinVar aggregate classification (germline): Uncertain significance (1 of 4 stars; one submission).

Conditions:
TP63-related disorder. Also called: TP63-related condition; TP63-Related Disorders. Identifiers: MedGen CN380159.

Submission:

PreventionGenetics, part of Exact Sciences
Classification: Uncertain significance for TP63-related condition. Last evaluated: 2026-08-25. Review status: criteria provided, single submitter. Criteria: ACMG Guidelines, 2015. Collection method: clinical testing. Allele origin: germline.
Comment: The TP63 c.*10T>G variant is located in the 3' untranslated region. To our knowledge, this variant has not been reported in the literature or in a large population database (gnomAD), indicating this variant is rare. At this time, the clinical significance of this variant is uncertain due to the absence of conclusive functional and genetic evidence.